The following is an entry in ClinVar:

NM_001077365.2(POMT1):c.1799G>A (p.Arg600Gln)

Gene: POMT1 (protein O-mannosyltransferase 1; plus strand). Cytogenetic location: 9q34.13.
Variant type: single nucleotide variant.
Coding change: c.1799G>A on transcript NM_001077365.2 (MANE Select); coding-DNA position 1799, G replaced by A.
Protein change: p.Arg600Gln; replaces arginine 600 with glutamine.
Molecular consequence: missense variant. On other transcripts: non-coding transcript variant (10).
Genome position (GRCh38, 1-based): chr9:131,521,446, G>A. VCF-style: chr9-131521446-G-A. GRCh37 (hg19) VCF-style: chr9-134396833-G-A.
Other names: c.1448G>A, p.Arg483Gln (NM_001353195.2, NM_001374691.1, NM_001374692.1 and 2 more transcripts); c.1709G>A, p.Arg570Gln (NM_001353196.2); c.1703G>A, p.Arg568Gln (NM_001353197.2, NM_001353198.2); c.1514G>A, p.Arg505Gln (NM_001353199.2); c.1343G>A, p.Arg448Gln (NM_001353200.2); c.1787G>A, p.Arg596Gln (NM_001374689.1); c.1580G>A, p.Arg527Gln (NM_001374690.1); c.1637G>A, p.Arg546Gln (NM_001077366.2, NM_001353194.2); and 3 more; short protein forms R448Q, R470Q, R483Q, R505Q, R527Q, R546Q, R568Q, R570Q.
Identifiers: ClinVar variation 1342735 (VCV001342735.9), dbSNP rs753485021, ClinGen allele CA5293829.
Genomic context (GRCh38, chr9:131,521,446, plus strand): 5'-CGGGCAGCCTCGCTCTGGCCATCTACGCCCTGCTGTCCTTGTGGTACCTGCTCCGACGGC[G>A]AAGAAATGTCCATGACCTCCCTCAGGGTTAGTACCTCTCCCACATGGCTTTCTTTCTTTT-3'
Protein context (NP_001070833.1, residues 590-610): LLSLWYLLRR[Arg600Gln]RNVHDLPQDA

ClinVar aggregate classification (germline): Conflicting classifications of pathogenicity. Review status: criteria provided, conflicting classifications (1 of 4 stars). 3 submissions from 3 submitters: Uncertain significance (2); Likely benign (1). Last evaluated 2026-01-26.

Conditions:
Walker-Warburg congenital muscular dystrophy. Also called: Muscular dystrophy-dystroglycanopathy, type A; Walker-Warburg syndrome. Identifiers: Orphanet 899, MedGen C0265221, MONDO:0000171.
Autosomal recessive limb-girdle muscular dystrophy type 2K. Also called: MUSCULAR DYSTROPHY, LIMB-GIRDLE, TYPE 2K; MUSCULAR DYSTROPHY-DYSTROGLYCANOPATHY (LIMB-GIRDLE), TYPE C, 1. Identifiers: Orphanet 86812, MedGen C1836373, MONDO:0012248, OMIM 609308.
Muscular dystrophy-dystroglycanopathy (congenital with impaired intellectual development), type B, 1. Also called: MUSCULAR DYSTROPHY, CONGENITAL, POMT1-RELATED; Muscular dystrophy-dystroglycanopathy (congenital with intellectual disability), type B1. Identifiers: MedGen C5436962, MONDO:0013159, OMIM 613155.

gnomAD v4.1: 72 of 1,613,926 alleles (0.0045%); highest among the groups gnomAD compares: South Asian, 0.0088%; 1 homozygote.

Submissions (3):

Labcorp Genetics (formerly Invitae), Labcorp
Classification: Likely benign for Muscular dystrophy-dystroglycanopathy (congenital with impaired intellectual development), type B, 1; Walker-Warburg congenital muscular dystrophy; Autosomal recessive limb-girdle muscular dystrophy type 2K. Last evaluated: 2026-01-26. Review status: criteria provided, single submitter. Criteria: Invitae Variant Classification Sherloc (09022015). Collection method: clinical testing. Allele origin: germline.

GeneDx
Classification: Uncertain significance. Last evaluated: 2022-02-22. Review status: criteria provided, single submitter. Criteria: GeneDx Variant Classification Process June 2021. Collection method: clinical testing. Allele origin: germline. Affected: yes.
Comment: Not observed at significant frequency in large population cohorts (gnomAD); In silico analysis supports that this missense variant has a deleterious effect on protein structure/function; Reported previously in trans with another POMT1 variant in a patient with microphthalmia, anophthalmia and coloboma who also harbored confirmed homozygous WDR37 variants, a 2q14.3 deletion, and a 9q11 duplication; all variants classified as uncertain clinical significance (Islam et al., 2020); This variant is associated with the following publications: (PMID: 32799327)

Revvity Omics, Revvity
Classification: Uncertain significance. Last evaluated: 2019-05-14. Review status: criteria provided, single submitter. Criteria: ACMG Guidelines, 2015. Collection method: clinical testing. Allele origin: germline.